The following is an entry in ClinVar:

NM_018418.5(SPATA7):c.814C>T (p.Arg272Trp)

Gene: SPATA7 (spermatogenesis associated 7; plus strand). Cytogenetic location: 14q31.3.
Variant type: single nucleotide variant.
Coding change: c.814C>T on transcript NM_018418.5 (MANE Select); coding-DNA position 814, C replaced by T.
Protein change: p.Arg272Trp; replaces arginine 272 with tryptophan.
Molecular consequence: missense variant.
Genome position (GRCh38, 1-based): chr14:88,426,673, C>T. VCF-style: chr14-88426673-C-T. GRCh37 (hg19) VCF-style: chr14-88893017-C-T.
Other names: c.718C>T, p.Arg240Trp (NM_001040428.4); c.814C>T (NM_018418.4); short protein forms R240W, R272W.
Identifiers: ClinVar variation 1058133 (VCV001058133.10), dbSNP rs139404133, ClinGen allele CA7298599.
Genomic context (GRCh38, chr14:88,426,673, plus strand): 5'-TTCCTGTCACAGTATCGCTATTATACACCTGCCAAAAGAAAAAAGGATTTTACAGATCAA[C>T]GGATAGAAGCTGAAACCCAGACTGAATTAAGGTATGACACATCAGCAACCAACAGTAAAT-3'
Protein context (NP_060888.2, residues 262-282): AKRKKDFTDQ[Arg272Trp]IEAETQTELS

ClinVar aggregate classification (germline): Conflicting classifications of pathogenicity. Review status: criteria provided, conflicting classifications (1 of 4 stars). 3 submissions from 3 submitters: Uncertain significance (2); Likely benign (1). Last evaluated 2025-09-25.

Conditions:
Inborn genetic diseases. Identifiers: MedGen C0950123, MeSH D030342.
Leber congenital amaurosis 3 (LCA3). Also called: SPATA7-Related Retinitis Pigmentosa. Identifiers: MedGen C1858677, MONDO:0011415, OMIM 604232.

Allele frequency attached by ClinVar (database versions not stated): gnomAD 0.00005 and 0.00008; TOPMed 0.00010; 1000 Genomes Project 30x 0.00016; 1000 Genomes Project 0.00020; ESP Exome Variant Server 0.00031.
gnomAD v4.1: 128 of 1,613,290 alleles (0.0079%); highest among the groups gnomAD compares: South Asian, 0.071%; no homozygotes.

Submissions (3):

Ambry Genetics
Classification: Uncertain significance for Inborn genetic diseases. Last evaluated: 2025-09-25. Review status: criteria provided, single submitter. Criteria: Ambry Variant Classification Scheme 2023. Collection method: clinical testing. Allele origin: germline.

Blueprint Genetics
Classification: Likely benign. Last evaluated: 2024-11-11. Review status: criteria provided, single submitter. Criteria: ACMG Guidelines, 2015. Collection method: clinical testing. Allele origin: germline.

Labcorp Genetics (formerly Invitae), Labcorp
Classification: Uncertain significance for Leber congenital amaurosis 3. Last evaluated: 2024-01-24. Review status: criteria provided, single submitter. Criteria: Invitae Variant Classification Sherloc (09022015). Collection method: clinical testing. Allele origin: germline.
Comment: This sequence change replaces arginine, which is basic and polar, with tryptophan, which is neutral and slightly polar, at codon 272 of the SPATA7 protein (p.Arg272Trp). This variant is present in population databases (rs139404133, gnomAD 0.09%). This variant has not been reported in the literature in individuals affected with SPATA7-related conditions. ClinVar contains an entry for this variant (Variation ID: 1058133). Advanced modeling of protein sequence and biophysical properties (such as structural, functional, and spatial information, amino acid conservation, physicochemical variation, residue mobility, and thermodynamic stability) performed at Invitae indicates that this missense variant is expected to disrupt SPATA7 protein function with a positive predictive value of 80%. In summary, the available evidence is currently insufficient to determine the role of this variant in disease. Therefore, it has been classified as a Variant of Uncertain Significance.